The following continues an entry in ClinVar:

NM_004004.6(GJB2):c.508_511dup (p.Ala171fs)

Gene: GJB2. ClinVar aggregate classification (germline): Pathogenic. Pathogenic (17).

Submissions 9 to 19 of 19:

Laboratory for Molecular Medicine, Mass General Brigham Personalized Medicine
Classification: Pathogenic for Rare genetic deafness. Last evaluated: 2022-06-30. Review status: criteria provided, single submitter. Criteria: ACMG Guidelines, 2015. Collection method: clinical testing. Allele origin: germline.
Comment: The p.Ala171fs variant in GJB2 has been reported in several individuals with nonsyndromic hearing loss in the compound heterozygous and homozygous state (Wu 2002 PubMed: 12172394, Liu 2020 PubMed: 32645618, Yuan 2020 PubMed: 31541171). It has also been identified in 4/5196 (0.07%) of East Asian chromosomes by gnomAD (httpe://). However, this frequncy is low enough to be consistent with a recessive allele frequency. This variant is predicted cause a frameshift, which alters the protein's amino acid sequence beginning at position171 and leads to a premature termination codon 40 amino acids downstream. Several frameshift variant downstream of this variant in GJB2 have been reported as disease causing. Loss of function of the GJB2 gene is an established disease mechanism in autosomal recessive nonsyndromic hearing loss. In summary, this variant meets criteria to be classified as pathogenic for autosomal recessive nonsyndromic hearing loss. ACMG/AMP Criteria applied: PVS1, PM3_S, PM2_P.

Fulgent Genetics
Classification: Pathogenic for Mutilating keratoderma; Autosomal dominant keratitis-ichthyosis-hearing loss syndrome; Palmoplantar keratoderma-deafness syndrome; Knuckle pads, deafness AND leukonychia syndrome; Autosomal recessive nonsyndromic hearing loss 1A; X-linked mixed hearing loss with perilymphatic gusher; Autosomal dominant nonsyndromic hearing loss 3A. Last evaluated: 2022-01-14. Review status: criteria provided, single submitter. Criteria: ACMG Guidelines, 2015. Collection method: clinical testing. Allele origin: unknown.

Genome-Nilou Lab
Classification: Pathogenic for Autosomal recessive nonsyndromic hearing loss 1A. Last evaluated: 2021-07-22. Review status: criteria provided, single submitter. Criteria: ACMG Guidelines, 2015. Collection method: clinical testing. Allele origin: germline. Affected: no.

Kariminejad - Najmabadi Pathology & Genetics Center
Classification: Pathogenic for Ear malformation. Last evaluated: 2021-07-10. Review status: criteria provided, single submitter. Criteria: ACMG Guidelines, 2015. Collection method: clinical testing. Allele origin: germline. Affected: yes.

Genomic Diagnostic Laboratory, Division of Genomic Diagnostics, Children's Hospital of Philadelphia
Classification: Pathogenic for Deafness, autosomal recessive 1A. Last evaluated: 2017-05-09. Review status: criteria provided, single submitter. Criteria: DGD Variant Analysis Guidelines. Collection method: clinical testing. Allele origin: germline. Affected: yes. Observed: 1 variant allele.

Women's Health and Genetics/Laboratory Corporation of America, LabCorp
Classification: Pathogenic for Autosomal recessive nonsyndromic hearing loss 1A. Last evaluated: 2017-04-13. Review status: criteria provided, single submitter. Criteria: LabCorp Variant Classification Summary - May 2015. Collection method: clinical testing. Allele origin: germline.
Comment: Variant summary: The GJB2 c.508_511dupAACG (p.Ala171Glufs) variant results in a premature termination codon, predicted to cause a truncated or absent GJB2 protein due to nonsense mediated decay, which are commonly known mechanisms for disease. One truncation downstream of this position has been classified as pathogenic by our laboratory (c.647_650delGATA/ p.Arg216fs). One in silico tool predicts a damaging outcome for this variant. The variant of interest has been found in a large, broad control population, ExAC in 2/121034 control chromosomes at a frequency of 0.0000165, which does not exceed the estimated maximal expected allele frequency of a pathogenic GJB2 variant (0.0003376). This variant has been reported in multiple studies, in Chinese and Koreean populations with NSHL in the compound heterozygous and homozygous state (Zhu_2015, Kim_2015, Jiang_2014). In addition, multiple clinical diagnostic laboratories/reputable databases classified this variant as likely pathogenic/pathogenic. Taken together, this variant is classified as pathogenic.

Eurofins Ntd Llc (ga)
Classification: Pathogenic. Last evaluated: 2016-07-20. Review status: criteria provided, single submitter. Criteria: EGL Classification Definitions 2015. Collection method: clinical testing. Allele origin: germline. Observed: 2 variant alleles, 2 heterozygotes.

Genetic Services Laboratory, University of Chicago
Classification: Pathogenic for Deafness, autosomal recessive 1A. Last evaluated: 2013-02-08. Review status: criteria provided, single submitter. Criteria: ACMG Guidelines, 2007. Collection method: clinical testing. Allele origin: germline. Affected: yes.

Juno Genomics, Hangzhou Juno Genomics, Inc
Classification: Pathogenic for Autosomal recessive nonsyndromic hearing loss 1A. Review status: criteria provided, single submitter. Criteria: ACMG Guidelines, 2015. Collection method: clinical testing. Allele origin: germline.
Comment: Null variant in a gene where loss of function (LOF) is a known mechanism of disease.;For recessive disorders, detected in trans with a pathogenic variant.

Genetic Testing Center for Deafness, Department of Otolaryngology Head & Neck Surgery, Institute of Otolaryngology, Chinese PLA General Hospital
Classification: Pathogenic for Autosomal recessive nonsyndromic hearing loss 1A. Last evaluated: 2019-02-26. Review status: no assertion criteria provided. Collection method: case-control. Allele origin: inherited. Affected: yes. Observed: 32 variant alleles. Clinical features observed: hearing loss. Not counted in ClinVar's aggregate classification.

Counsyl
Classification: Likely pathogenic for Deafness, autosomal recessive 1A. Last evaluated: 2014-11-25. Review status: no assertion criteria provided. Collection method: literature only. Allele origin: unknown. Inheritance: Autosomal recessive inheritance. Not counted in ClinVar's aggregate classification.

Literature cited by the submitters: PubMed 19366456 (cited by Department of Otolaryngology Head and Neck Surgery, Hainan Hospital of the Chinese People’s Liberation Army General Hospital); PubMed 12172394 (cited by 3 submitters); PubMed 25891447 (cited by 3 submitters); PubMed 9529365 (cited by Labcorp Genetics (formerly Invitae), Labcorp and Variantyx, Inc.); PubMed 12910486 (cited by 3 submitters); PubMed 20863150 (cited by Labcorp Genetics (formerly Invitae), Labcorp and Variantyx, Inc.); PubMed 31124793 (cited by Natera, Inc.); PubMed 16712961 (cited by Natera, Inc.); PubMed 24256046 (cited by 3 submitters); PubMed 11438992 (cited by Variantyx, Inc.); PubMed 31541171 (cited by Variantyx, Inc.); PubMed 35853923 (cited by Variantyx, Inc.); PubMed 36597107 (cited by Variantyx, Inc.); PubMed 38374194 (cited by Variantyx, Inc.); PubMed 38730444 (cited by Variantyx, Inc.); PubMed 39443691 (cited by Variantyx, Inc.); PubMed 26061264 (cited by 3 submitters); PubMed 24737404 (cited by 3 submitters); PubMed 23638949 (cited by Counsyl).